The following is an entry in ClinVar:

ClinVar aggregate classification (germline): Uncertain significance (1 of 4 stars; one submission).

Allele frequency attached by ClinVar (database versions not stated): gnomAD exomes below 0.00001; ExAC 0.00001.
gnomAD v4.1: 5 of 1,614,224 alleles (0.00031%); highest among the groups gnomAD compares: Middle Eastern, 0.017%; no homozygotes.

Submission:

Labcorp Genetics (formerly Invitae), Labcorp
Classification: Uncertain significance. Last evaluated: 2025-04-11. Review status: criteria provided, single submitter. Criteria: Invitae Variant Classification Sherloc (09022015). Collection method: clinical testing. Allele origin: germline.
Comment: This sequence change replaces valine, which is neutral and non-polar, with alanine, which is neutral and non-polar, at codon 837 of the KCNQ5 protein (p.Val837Ala). This variant is present in population databases (rs751284362, gnomAD 0.0009%). This variant has not been reported in the literature in individuals affected with KCNQ5-related conditions. ClinVar contains an entry for this variant (Variation ID: 1925965). Invitae Evidence Modeling of protein sequence and biophysical properties (such as structural, functional, and spatial information, amino acid conservation, physicochemical variation, residue mobility, and thermodynamic stability) indicates that this missense variant is not expected to disrupt KCNQ5 protein function with a negative predictive value of 95%. In summary, the available evidence is currently insufficient to determine the role of this variant in disease. Therefore, it has been classified as a Variant of Uncertain Significance.

NM_019842.4(KCNQ5):c.2453T>C (p.Val818Ala)

Gene: KCNQ5 (potassium voltage-gated channel subfamily Q member 5; plus strand). Cytogenetic location: 6q13.
Variant type: single nucleotide variant.
Coding change: c.2453T>C on transcript NM_019842.4 (MANE Select); coding-DNA position 2453, T replaced by C.
Protein change: p.Val818Ala; replaces valine 818 with alanine.
Molecular consequence: missense variant.
Genome position (GRCh38, 1-based): chr6:73,195,068, T>C. VCF-style: chr6-73195068-T-C. GRCh37 (hg19) VCF-style: chr6-73904791-T-C.
Other names: c.2426T>C, p.Val809Ala (NM_001160130.2); c.2483T>C, p.Val828Ala (NM_001160132.2); c.2510T>C, p.Val837Ala (NM_001160133.2); c.2123T>C, p.Val708Ala (NM_001160134.2); short protein forms V809A, V837A, V828A, V818A, V708A.
Identifiers: ClinVar variation 1925965 (VCV001925965.5), dbSNP rs751284362, ClinGen allele CA3887262.
Genomic context (GRCh38, chr6:73,195,068, plus strand): 5'-TCACCAAGGACCGTTCTATGAGGAAAAGCTTTGACATGGGAGGAGAAACTCTGTTGTCTG[T>C]CTGTCCCATGGTGCCGAAGGACTTGGGCAAATCTTTGTCTGTGCAAAACCTGATCAGGTC-3'
Protein context (NP_062816.2, residues 808-828): FDMGGETLLS[Val818Ala]CPMVPKDLGK